The following is an entry in ClinVar:

ClinVar aggregate classification (germline): Conflicting classifications of pathogenicity. Review status: criteria provided, conflicting classifications (1 of 4 stars). 7 submissions from 7 submitters: Uncertain significance (5); Likely benign (2). Last evaluated 2025-07-24.

Conditions:
Autosomal recessive limb-girdle muscular dystrophy type 2J (LGMDR10). Also called: Limb-girdle muscular dystrophy, type 2J; MUSCULAR DYSTROPHY, LIMB-GIRDLE, AUTOSOMAL RECESSIVE 10. Identifiers: Orphanet 140922, MedGen C1837342, MONDO:0012127, OMIM 608807.
Dilated cardiomyopathy 1G (CMD1G). Identifiers: Orphanet 154, MedGen C1858763, MONDO:0011400, OMIM 604145.
Cardiovascular phenotype. Identifiers: MedGen CN230736.

Allele frequency attached by ClinVar (database versions not stated): TOPMed 0.00001; ExAC 0.00002; gnomAD exomes 0.00002 and 0.00004.
gnomAD v4.1: 29 of 1,612,246 alleles (0.0018%); highest among the groups gnomAD compares: Middle Eastern, 0.033%; no homozygotes.

Submissions (7):

Molecular Diagnostic Laboratory for Inherited Cardiovascular Disease, Montreal Heart Institute
Classification: Likely benign. Last evaluated: 2025-07-24. Review status: criteria provided, single submitter. Criteria: ACMG Guidelines, 2015. Collection method: clinical testing. Allele origin: germline. Affected: no.
Comment: BP1

Women's Health and Genetics/Laboratory Corporation of America, LabCorp
Classification: Uncertain significance. Last evaluated: 2024-08-27. Review status: criteria provided, single submitter. Criteria: LabCorp Variant Classification Summary - May 2015. Collection method: clinical testing. Allele origin: germline.
Comment: Variant summary: TTN c.38887G>A (p.Gly12963Arg) results in a non-conservative amino acid change located in the I-band domain of the encoded protein sequence. Four of four in-silico tools predict a damaging effect of the variant on protein function. The variant allele was found at a frequency of 3.6e-05 in 248212 control chromosomes. The available data on variant occurrences in the general population are insufficient to allow any conclusion about variant significance. To our knowledge, no occurrence of c.38887G>A in individuals affected with Limb-Girdle Muscular Dystrophy, Type 2J and no experimental evidence demonstrating its impact on protein function have been reported. ClinVar contains an entry for this variant (Variation ID: 467181). Based on the evidence outlined above, the variant was classified as uncertain significance.

ARUP Laboratories, Molecular Genetics and Genomics, ARUP Laboratories
Classification: Uncertain significance. Last evaluated: 2021-04-06. Review status: criteria provided, single submitter. Criteria: ARUP Molecular Germline Variant Investigation Process 2021. Collection method: clinical testing. Allele origin: germline.
Comment: The TTN c.46591G>A; p.Gly15531Arg variant (rs761815745; ClinVar Variation ID: 467181) is rare in the general population (<0.2% allele frequency in the Genome Aggregation Database) and has not been reported in the medical literature in association with dilated cardiomyopathy (DCM) or other TTN-related disease. The clinical relevance of rare missense variants in this gene, which are identified on average once per individual sequenced in affected populations (Herman 2012), is not well understood. Yet, evidence suggests that the vast majority of such missense variants do not contribute to the clinical outcome of DCM (Begay 2015). Thus, the clinical significance of the p.Gly15531Arg variant cannot be determined with certainty. References: Begay RL et al. Role of Titin Missense Variants in Dilated Cardiomyopathy. J Am Heart Assoc. 2015 Nov 13;4(11). Herman DS et al. Truncations of titin causing dilated cardiomyopathy. N Engl J Med. 2012 Feb 16;366(7):619-28. Linke WA and Hamdani N. Gigantic business: titin properties and function through thick and thin. Circ Res 2014; 114(6): 1052-1068.

Ambry Genetics
Classification: Uncertain significance for Cardiovascular phenotype. Last evaluated: 2020-03-17. Review status: criteria provided, single submitter. Criteria: Ambry Variant Classification Scheme 2023. Collection method: clinical testing. Allele origin: germline.
Comment: The p.G6466R variant (also known as c.19396G>A), located in coding exon 77 of the TTN gene, results from a G to A substitution at nucleotide position 19396. The glycine at codon 6466 is replaced by arginine, an amino acid with dissimilar properties. This amino acid position is highly conserved in available vertebrate species. In addition, the in silico prediction for this alteration is inconclusive. Since supporting evidence is limited at this time, the clinical significance of this alteration remains unclear.

Revvity Omics, Revvity
Classification: Uncertain significance. Last evaluated: 2019-05-22. Review status: criteria provided, single submitter. Criteria: ACMG Guidelines, 2015. Collection method: clinical testing. Allele origin: germline.

GeneDx
Classification: Likely benign. Last evaluated: 2018-12-21. Review status: criteria provided, single submitter. Criteria: GeneDx Variant Classification Process June 2021. Collection method: clinical testing. Allele origin: germline. Affected: yes.

Labcorp Genetics (formerly Invitae), Labcorp
Classification: Uncertain significance for Dilated cardiomyopathy 1G; Autosomal recessive limb-girdle muscular dystrophy type 2J. Last evaluated: 2017-02-20. Review status: criteria provided, single submitter. Criteria: Invitae Variant Classification Sherloc (09022015). Collection method: clinical testing. Allele origin: germline.

NM_001267550.2(TTN):c.46591G>A (p.Gly15531Arg)

Genes: TTN-AS1 (TTN antisense RNA 1; plus strand), TTN (titin; minus strand). Cytogenetic location: 2q31.2.
Variant type: single nucleotide variant.
Coding change: c.46591G>A on transcript NM_001267550.2 (MANE Select); coding-DNA position 46591, G replaced by A.
Protein change: p.Gly15531Arg; replaces glycine 15531 with arginine.
Molecular consequence: missense variant.
Genome position (GRCh38, 1-based): chr2:178,619,726, C>T on the plus strand (G>A on the coding strand, the complement: TTN is on the minus strand). VCF-style: chr2-178619726-C-T. GRCh37 (hg19) VCF-style: chr2-179484453-C-T.
Other names: c.41668G>A, p.Gly13890Arg (NM_001256850.1); c.19396G>A, p.Gly6466Arg (NM_003319.4); c.38887G>A, p.Gly12963Arg (NM_133378.4); c.19771G>A, p.Gly6591Arg (NM_133432.3); c.19972G>A, p.Gly6658Arg (NM_133437.4); short protein forms G15531R, G6591R, G13890R, G12963R, G6466R, G6658R.
Identifiers: ClinVar variation 467181 (VCV000467181.19), dbSNP rs761815745, ClinGen allele CA1995217.
Genomic context (GRCh38, chr2:178,619,726, plus strand): 5'-ATCTGTATTCACCCTGGTCACGGGGCTTAATATCACAAATCTGTAGTCGATGTATCTTTC[C>T]TTCACTCATCATCTGGTGTTTATCACCCTGGACAACAACCATGTTATTTCTTAGCCATTG-3'
Protein context (NP_001254479.2, residues 15521-15541): QGDKHQMMSE[Gly15531Arg]KIHRLQICDI